The following is an entry in ClinVar:

NM_014780.5(CUL7):c.339C>T (p.Asp113=)

Gene: CUL7 (cullin 7; minus strand). Cytogenetic location: 6p21.1.
Variant type: single nucleotide variant.
Coding change: c.339C>T on transcript NM_014780.5 (MANE Select); coding-DNA position 339, C replaced by T.
Protein change: p.Asp113=; no amino-acid change (aspartic acid 113 retained).
Molecular consequence: synonymous variant.
Genome position (GRCh38, 1-based): chr6:43,052,450, G>A on the plus strand (C>T on the coding strand, the complement: CUL7 is on the minus strand). VCF-style: chr6-43052450-G-A. GRCh37 (hg19) VCF-style: chr6-43020188-G-A.
Other names: c.339C>T, p.Asp113= (NM_001168370.2, NM_001374872.1, NM_001374873.1 and 1 more transcripts).
Identifiers: ClinVar variation 260438 (VCV000260438.17), dbSNP rs4711738, ClinGen allele CA3814409.
Genomic context (GRCh38, chr6:43,052,450, plus strand): 5'-AGGGATAGTGCCCACACACTCCTCCAGCTGCCGAAGGGCTCTCTGAATGAGGGACTTCAC[G>A]TCGGTTTCCATCTCCTCCAGCACAGATTTGTCCAGGGCCCCAACCTCCCCTGCAGACTCC-3'
Protein context (NP_055595.2, residues 103-123): DKSVLEEMET[Asp113=]VKSLIQRALR

ClinVar aggregate classification (germline): Benign. Review status: criteria provided, multiple submitters, no conflicts (2 of 4 stars). 5 submissions from 5 submitters: Benign (5). Last evaluated 2026-05-08.

Conditions:
3M syndrome 1. Also called: 3-M Syndrome, CUL7-Related. Identifiers: Orphanet 2616, MedGen C2678312, MONDO:0010117, OMIM 273750.

Allele frequency attached by ClinVar (database versions not stated): gnomAD exomes 0.11609 and 0.15770; ExAC 0.16399; ESP Exome Variant Server 0.22474; 1000 Genomes Project 0.28215; 1000 Genomes Project 30x 0.29325; gnomAD 0.22254 and 0.22523; TOPMed 0.24253.
gnomAD v4.1: 205,231 of 1,613,918 alleles (13%); highest among the groups gnomAD compares: African/African-American, 49%; 19,808 homozygotes.

Submissions (5):

Women's Health and Genetics/Laboratory Corporation of America, LabCorp
Classification: Benign. Last evaluated: 2026-05-08. Review status: criteria provided, single submitter. Criteria: LabCorp Variant Classification Summary - May 2015. Collection method: clinical testing. Allele origin: germline.

Labcorp Genetics (formerly Invitae), Labcorp
Classification: Benign. Last evaluated: 2026-02-04. Review status: criteria provided, single submitter. Criteria: Invitae Variant Classification Sherloc (09022015). Collection method: clinical testing. Allele origin: germline.

GeneDx
Classification: Benign. Last evaluated: 2018-11-12. Review status: criteria provided, single submitter. Criteria: GeneDx Variant Classification Process June 2021. Collection method: clinical testing. Allele origin: germline. Affected: yes.

Illumina Laboratory Services, Illumina
Classification: Benign for 3M syndrome 1. Last evaluated: 2018-01-13. Review status: criteria provided, single submitter. Criteria: ICSL Variant Classification Criteria 13 December 2019. Collection method: clinical testing. Allele origin: germline.
Comment: This variant was observed in the ICSL laboratory as part of a predisposition screen in an ostensibly healthy population. It had not been previously curated by ICSL or reported in the Human Gene Mutation Database (HGMD: prior to June 1st, 2018), and was therefore a candidate for classification through an automated scoring system. Utilizing variant allele frequency, disease prevalence and penetrance estimates, and inheritance mode, an automated score was calculated to assess if this variant is too frequent to cause the disease. Based on the score and internal cut-off values, a variant classified as benign is not then subjected to further curation. The score for this variant resulted in a classification of benign for this disease.

PreventionGenetics, part of Exact Sciences
Classification: Benign. Review status: criteria provided, single submitter. Criteria: ACMG Guidelines, 2015. Collection method: clinical testing. Allele origin: germline.